The following is an entry in ClinVar:

ClinVar aggregate classification (germline): Uncertain significance (1 of 4 stars; one submission).

Submission:

GeneDx
Classification: Uncertain significance. Last evaluated: 2023-07-07. Review status: criteria provided, single submitter. Criteria: GeneDx Variant Classification Process June 2021. Collection method: clinical testing. Allele origin: germline. Affected: yes.
Comment: Not observed at significant frequency in large population cohorts (gnomAD); In silico analysis supports that this missense variant has a deleterious effect on protein structure/function; Has not been previously published as pathogenic or benign to our knowledge

NM_001875.5(CPS1):c.3479A>C (p.Gln1160Pro)

Gene: CPS1 (carbamoyl-phosphate synthase 1; plus strand). Cytogenetic location: 2q34.
Variant type: single nucleotide variant.
Coding change: c.3479A>C on transcript NM_001875.5 (MANE Select); coding-DNA position 3479, A replaced by C.
Protein change: p.Gln1160Pro; replaces glutamine 1160 with proline.
Molecular consequence: missense variant. On other transcripts: non-coding transcript variant (2).
Genome position (GRCh38, 1-based): chr2:210,650,437, A>C. VCF-style: chr2-210650437-A-C. GRCh37 (hg19) VCF-style: chr2-211515161-A-C.
Other names: c.3479A>C, p.Gln1160Pro (NM_001122633.3, NM_001369257.1); c.3512A>C, p.Gln1171Pro (NM_001369256.1); short protein forms Q1160P, Q1171P.
Identifiers: ClinVar variation 3360824 (VCV003360824.1).